The following is an entry in ClinVar:

NM_177550.5(SLC13A5):c.689A>G (p.Asn230Ser)

Gene: SLC13A5 (solute carrier family 13 member 5; minus strand). Cytogenetic location: 17p13.1.
Variant type: single nucleotide variant.
Coding change: c.689A>G on transcript NM_177550.5 (MANE Select); coding-DNA position 689, A replaced by G.
Protein change: p.Asn230Ser; replaces asparagine 230 with serine.
Molecular consequence: missense variant.
Genome position (GRCh38, 1-based): chr17:6,702,997, T>C on the plus strand (A>G on the coding strand, the complement: SLC13A5 is on the minus strand). VCF-style: chr17-6702997-T-C. GRCh37 (hg19) VCF-style: chr17-6606316-T-C.
Other names: c.689A>G, p.Asn230Ser (NM_001143838.3); c.638A>G, p.Asn213Ser (NM_001284509.2); c.560A>G, p.Asn187Ser (NM_001284510.2); short protein forms N230S, N187S, N213S.
Identifiers: ClinVar variation 541965 (VCV000541965.7), dbSNP rs760650951, ClinGen allele CA8331649.

ClinVar aggregate classification (germline): Uncertain significance (1 of 4 stars; one submission).

Conditions:
Developmental and epileptic encephalopathy, 25 (DEE25). Also called: Developmental and epileptic encephalopathy 25, with amelogenesis imperfecta; Epileptic encephalopathy, early infantile, 25, with amelogenesis imperfecta; Epileptic encephalopathy, early infantile, 25. Identifiers: Orphanet 442835, MedGen C4014621, MONDO:0014392, OMIM 615905.

Allele frequency attached by ClinVar (database versions not stated): gnomAD exomes below 0.00001 and 0.00002; gnomAD 0.00001; TOPMed 0.00001; ExAC 0.00002.
gnomAD v4.1: 6 of 1,614,072 alleles (0.00037%); highest among the groups gnomAD compares: East Asian, 0.0022%; no homozygotes.

Submission:

Labcorp Genetics (formerly Invitae), Labcorp
Classification: Uncertain significance for Developmental and epileptic encephalopathy, 25. Last evaluated: 2022-07-15. Review status: criteria provided, single submitter. Criteria: Invitae Variant Classification Sherloc (09022015). Collection method: clinical testing. Allele origin: germline.
Comment: In summary, the available evidence is currently insufficient to determine the role of this variant in disease. Therefore, it has been classified as a Variant of Uncertain Significance. Algorithms developed to predict the effect of missense changes on protein structure and function are either unavailable or do not agree on the potential impact of this missense change (SIFT: "Tolerated"; PolyPhen-2: "Probably Damaging"; Align-GVGD: "Class C0"). ClinVar contains an entry for this variant (Variation ID: 541965). This variant has not been reported in the literature in individuals affected with SLC13A5-related conditions. This variant is present in population databases (rs760650951, gnomAD 0.006%). This sequence change replaces asparagine, which is neutral and polar, with serine, which is neutral and polar, at codon 230 of the SLC13A5 protein (p.Asn230Ser).